The following is an entry in ClinVar:

ClinVar aggregate classification (germline): Uncertain significance (1 of 4 stars; one submission).

Conditions:
Familial focal epilepsy with variable foci (FPEVF). Identifiers: Orphanet 98820, MedGen C1858477, MONDO:0020310.

Allele frequency attached by ClinVar (database versions not stated): gnomAD 0.00001; gnomAD exomes 0.00001; TOPMed 0.00001; ExAC 0.00002.
gnomAD v4.1: 17 of 1,612,162 alleles (0.0011%); highest among the groups gnomAD compares: South Asian, 0.0066%; no homozygotes.

Submission:

Labcorp Genetics (formerly Invitae), Labcorp
Classification: Uncertain significance for Familial focal epilepsy with variable foci. Last evaluated: 2023-10-18. Review status: criteria provided, single submitter. Criteria: Invitae Variant Classification Sherloc (09022015). Collection method: clinical testing. Allele origin: germline.
Comment: This sequence change replaces valine, which is neutral and non-polar, with isoleucine, which is neutral and non-polar, at codon 1076 of the DEPDC5 protein (p.Val1076Ile). This variant is present in population databases (rs781749390, gnomAD 0.007%). This variant has not been reported in the literature in individuals affected with DEPDC5-related conditions. ClinVar contains an entry for this variant (Variation ID: 2053026). Experimental studies and prediction algorithms are not available or were not evaluated, and the functional significance of this variant is currently unknown. In summary, the available evidence is currently insufficient to determine the role of this variant in disease. Therefore, it has been classified as a Variant of Uncertain Significance.

NM_001242896.3(DEPDC5):c.3226G>A (p.Val1076Ile)

Gene: DEPDC5 (DEP domain containing 5, GATOR1 subcomplex subunit; plus strand). Cytogenetic location: 22q12.3.
Variant type: single nucleotide variant.
Coding change: c.3226G>A on transcript NM_001242896.3 (MANE Select); coding-DNA position 3226, G replaced by A.
Protein change: p.Val1076Ile; replaces valine 1076 with isoleucine.
Molecular consequence: missense variant. On other transcripts: non-coding transcript variant (5).
Genome position (GRCh38, 1-based): chr22:31,857,515, G>A. VCF-style: chr22-31857515-G-A. GRCh37 (hg19) VCF-style: chr22-32253501-G-A.
Other names: c.3199G>A, p.Val1067Ile (NM_001136029.4, NM_001369903.1, NM_014662.6); c.2992G>A, p.Val998Ile (NM_001242897.2, NM_001363854.2, NM_001364319.2); c.3226G>A, p.Val1076Ile (NM_001363852.2, NM_001364318.2, NM_001364320.2); c.3142G>A, p.Val1048Ile (NM_001369901.1, NM_001369902.1); short protein forms V1067I, V1048I, V998I, V1076I.
Identifiers: ClinVar variation 2053026 (VCV002053026.4), dbSNP rs781749390, ClinGen allele CA10196913.